The following is an entry in ClinVar:

NM_000262.3(NAGA):c.242G>A (p.Trp81Ter)

Genes: NAGA (alpha-N-acetylgalactosaminidase; minus strand), LOC126863160 (CDK7 strongly-dependent group 2 enhancer GRCh37_chr22:42462918-42464117; plus strand). Cytogenetic location: 22q13.2.
Variant type: single nucleotide variant.
Coding change: c.242G>A on transcript NM_000262.3 (MANE Select); coding-DNA position 242, G replaced by A.
Protein change: p.Trp81Ter; replaces tryptophan 81 with a stop codon.
Molecular consequence: nonsense.
Genome position (GRCh38, 1-based): chr22:42,067,847, C>T on the plus strand (G>A on the coding strand, the complement: NAGA is on the minus strand). VCF-style: chr22-42067847-C-T. GRCh37 (hg19) VCF-style: chr22-42463851-C-T.
Other names: c.242G>A, p.Trp81Ter (NM_001362848.1, NM_001362850.1); short protein forms W81*.
Identifiers: ClinVar variation 5015503 (VCV005015503.1).
Genomic context (GRCh38, chr22:42,067,847, plus strand): 5'-CCATGAGGGAAGCGCTTGGGATCCGGCATCAGGCGGCCACTGGCATCGCGACCACCGATC[C>T]AGCAGTCATCAATGTTGAGGTATGTGTAGCCCATGTCCCGCCATCCATCCTGTGCCATCC-3'

ClinVar aggregate classification (germline): Pathogenic (1 of 4 stars; one submission).

Conditions:
Alpha-N-acetylgalactosaminidase deficiency. Identifiers: Orphanet 3137, MedGen C5848084, MONDO:0017779.

Submission:

Myriad Genetics, Inc.
Classification: Pathogenic for Alpha-N-acetylgalactosaminidase deficiency. Last evaluated: 2026-02-02. Review status: criteria provided, single submitter. Criteria: Myriad Autosomal Dominant, Autosomal Recessive and X-Linked Classification Criteria (2023). Collection method: clinical testing. Allele origin: unknown.
Comment: NM_000262.2(NAGA):c.242G>A(W81*) is expected to be pathogenic in the context of NAGA-related disorders. This variant is predicted to lead to an abnormal or absent protein product due to the creation of a premature termination codon in NAGA, a gene where loss-of-function variants are known to be pathogenic. Please note: this variant was assessed in the context of healthy population screening.